The following is an entry in ClinVar:

ClinVar aggregate classification (germline): Benign/Likely benign. Review status: criteria provided, multiple submitters, no conflicts (2 of 4 stars). 9 submissions from 9 submitters: Benign (7); Likely benign (1). 1 of the submissions does not count toward it. Last evaluated 2026-02-04.

Conditions:
VPS13A-related neurodegenerative disease. Also called: LEVINE-CRITCHLEY SYNDROME; Chorea-acanthocytosis; ACANTHOCYTOSIS WITH NEUROLOGIC DISORDER; Choreoacanthocytosis; Choreaacanthocytosis; VPS13A Disease. Identifiers: Orphanet 2388, MedGen C0393576, MONDO:0008695, OMIM 200150.

Allele frequency attached by ClinVar (database versions not stated): 1000 Genomes Project 0.04872; 1000 Genomes Project 30x 0.04872; gnomAD 0.05526 and 0.05756; ESP Exome Variant Server 0.06513; gnomAD exomes 0.07155 and 0.08402; ExAC 0.07581.
gnomAD v4.1: 130,892 of 1,613,086 alleles (8.1%); highest among the groups gnomAD compares: South Asian, 13%; 6,063 homozygotes.

Submissions (9):

Labcorp Genetics (formerly Invitae), Labcorp
Classification: Benign. Last evaluated: 2026-02-04. Review status: criteria provided, single submitter. Criteria: Invitae Variant Classification Sherloc (09022015). Collection method: clinical testing. Allele origin: germline.

Blueprint Genetics
Classification: Likely benign. Last evaluated: 2024-11-27. Review status: criteria provided, single submitter. Criteria: ACMG Guidelines, 2015. Collection method: clinical testing. Allele origin: germline.

Mayo Clinic Laboratories, Mayo Clinic
Classification: Benign. Last evaluated: 2022-03-24. Review status: criteria provided, single submitter. Criteria: ACMG Guidelines, 2015. Collection method: clinical testing. Allele origin: germline. Observed: 97 variant alleles.

Genome-Nilou Lab
Classification: Benign for VPS13A-related neurodegenerative disease. Last evaluated: 2021-07-10. Review status: criteria provided, single submitter. Criteria: ACMG Guidelines, 2015. Collection method: clinical testing. Allele origin: germline. Affected: no.

GeneDx
Classification: Benign. Last evaluated: 2018-09-04. Review status: criteria provided, single submitter. Criteria: GeneDx Variant Classification Process June 2021. Collection method: clinical testing. Allele origin: germline. Affected: yes.

Athena Diagnostics
Classification: Benign. Last evaluated: 2018-05-07. Review status: criteria provided, single submitter. Criteria: Athena Diagnostics Criteria. Collection method: clinical testing. Allele origin: germline.

Illumina Laboratory Services, Illumina
Classification: Benign for VPS13A-related neurodegenerative disease. Last evaluated: 2018-01-12. Review status: criteria provided, single submitter. Criteria: ICSL Variant Classification Criteria 13 December 2019. Collection method: clinical testing. Allele origin: germline.
Comment: This variant was observed in the ICSL laboratory as part of a predisposition screen in an ostensibly healthy population. It had not been previously curated by ICSL or reported in the Human Gene Mutation Database (HGMD: prior to June 1st, 2018), and was therefore a candidate for classification through an automated scoring system. Utilizing variant allele frequency, disease prevalence and penetrance estimates, and inheritance mode, an automated score was calculated to assess if this variant is too frequent to cause the disease. Based on the score and internal cut-off values, a variant classified as benign is not then subjected to further curation. The score for this variant resulted in a classification of benign for this disease.

Breakthrough Genomics
Classification: Benign. Review status: criteria provided, single submitter. Criteria: ACMG Guidelines, 2015. Collection method: not provided. Allele origin: germline. Inheritance: Autosomal recessive inheritance. Affected: yes.

Natera, Inc.
Classification: Benign for Choreaacanthocytosis. Last evaluated: 2020-09-16. Review status: no assertion criteria provided. Collection method: clinical testing. Allele origin: germline. Not counted in ClinVar's aggregate classification.

NM_033305.3(VPS13A):c.5583A>G (p.Thr1861=)

Gene: VPS13A (vacuolar protein sorting 13 homolog A; plus strand). Cytogenetic location: 9q21.2.
Variant type: single nucleotide variant.
Coding change: c.5583A>G on transcript NM_033305.3 (MANE Select); coding-DNA position 5583, A replaced by G.
Protein change: p.Thr1861=; no amino-acid change (threonine 1861 retained).
Molecular consequence: synonymous variant.
Genome position (GRCh38, 1-based): chr9:77,321,499, A>G. VCF-style: chr9-77321499-A-G. GRCh37 (hg19) VCF-style: chr9-79936415-A-G.
Other names: p.Thr1861=; c.5466A>G, p.Thr1822= (NM_001018037.2); c.5583A>G, p.Thr1861= (NM_001018038.3, NM_015186.4).
Identifiers: ClinVar variation 367389 (VCV000367389.24), dbSNP rs17423984, ClinGen allele CA5092816.
Genomic context (GRCh38, chr9:77,321,499, plus strand): 5'-GTCATTTAATTTTACACATTTCATTTTATTTAGCATAACTCTTTCTTATTAGGCATTTAC[A>G]GAAGCTGCCACTGGATCTTCAGCTGACTTCGTAAAGGATCTAGCACCATTTATGATTTTA-3'
Protein context (NP_150648.2, residues 1851-1871): VMLNNLVKAF[Thr1861=]EAATGSSADF